The following is an entry in ClinVar:

ClinVar aggregate classification (germline): Likely benign (1 of 4 stars; one submission).

Conditions:
Retinitis pigmentosa (RP). Identifiers: Orphanet 791, MedGen C0035334, MeSH D012174, MONDO:0019200, OMIM 268000. Inheritance: Autosomal dominant, autosomal recessive and X linked inheritance.

Allele frequency attached by ClinVar (database versions not stated): gnomAD 0.01867; 1000 Genomes Project 0.02037; TOPMed 0.02160; 1000 Genomes Project 30x 0.02217.

Submission:

Illumina Laboratory Services, Illumina
Classification: Likely benign for Retinitis pigmentosa. Last evaluated: 2018-01-13. Review status: criteria provided, single submitter. Criteria: ICSL Variant Classification Criteria 13 December 2019. Collection method: clinical testing. Allele origin: germline.
Comment: This variant was observed in the ICSL laboratory as part of a predisposition screen in an ostensibly healthy population. It had not been previously curated by ICSL or reported in the Human Gene Mutation Database (HGMD: prior to June 1st, 2018), and was therefore a candidate for classification through an automated scoring system. Utilizing variant allele frequency, disease prevalence and penetrance estimates, and inheritance mode, an automated score was calculated to assess if this variant is too frequent to cause the disease. Based on the score and internal cut-off values, a variant classified as likely benign is not then subjected to further curation. The score for this variant resulted in a classification of likely benign for this disease.

NM_001029883.3(PCARE):c.*2584C>T

Gene: PCARE (photoreceptor cilium actin regulator; minus strand). Cytogenetic location: 2p23.2.
Variant type: single nucleotide variant.
Coding change: c.*2584C>T on transcript NM_001029883.3 (MANE Select); 2584 bases downstream of the stop codon, C replaced by T.
Molecular consequence: 3 prime UTR variant.
Genome position (GRCh38, 1-based): chr2:29,062,285, G>A on the plus strand (C>T on the coding strand, the complement: PCARE is on the minus strand). VCF-style: chr2-29062285-G-A. GRCh37 (hg19) VCF-style: chr2-29285151-G-A.
Identifiers: ClinVar variation 335579 (VCV000335579.5), dbSNP rs79961309, ClinGen allele CA10615172.